The following is an entry in ClinVar:

ClinVar aggregate classification (germline): Uncertain significance. Review status: criteria provided, single submitter (1 of 4 stars). 2 submissions from 2 submitters: Uncertain significance (1). 1 of the submissions does not count toward it. Last evaluated 2017-10-10.

Conditions:
Interstitial lung disease due to ABCA3 deficiency. Also called: PULMONARY ALVEOLAR PROTEINOSIS, CONGENITAL, 3. Identifiers: Orphanet 440402, MedGen C1970456, MONDO:0012582, OMIM 610921.

Allele frequency attached by ClinVar (database versions not stated): gnomAD exomes below 0.00001.
gnomAD v4.1: 1 of 1,614,196 alleles (0.000062%); highest among the groups gnomAD compares: Non-Finnish European, 0.000085%; no homozygotes.

Submissions (2):

Laboratory for Molecular Medicine, Mass General Brigham Personalized Medicine
Classification: Uncertain significance. Last evaluated: 2017-10-10. Review status: criteria provided, single submitter. Criteria: LMM Criteria. Collection method: clinical testing. Allele origin: germline. Observed: 1 variant allele.
Comment: The p.Leu326Pro variant in ABCA3 has not been previously reported in individuals with pulmonary fibrosis or in large population studies. Electron microscopy of a lung specimen from this individual revealed absence of lamellar bodies (Kun ig 2007). Computational prediction tools and conservation analysis suggest that the p.Leu326Pro variant may impact the protein, though this information is not p redictive enough to determine pathogenicity. In summary, the clinical significan ce of the p.Leu326Pro variant is uncertain. ACMG/AMP Criteria applied: PM2, PP3, PM5_Support (Richards 2015).

OMIM
Classification: Pathogenic for SURFACTANT METABOLISM DYSFUNCTION, PULMONARY, 3. Last evaluated: 2007-09-01. Review status: no assertion criteria provided. Collection method: literature only. Allele origin: germline. Not counted in ClinVar's aggregate classification.

Literature cited by the submitters: PubMed 17719949 (cited by Laboratory for Molecular Medicine, Mass General Brigham Personalized Medicine and OMIM).

NM_001089.3(ABCA3):c.977T>C (p.Leu326Pro)

Gene: ABCA3 (ATP binding cassette subfamily A member 3; minus strand). Cytogenetic location: 16p13.3.
Variant type: single nucleotide variant.
Coding change: c.977T>C on transcript NM_001089.3 (MANE Select); coding-DNA position 977, T replaced by C.
Protein change: p.Leu326Pro; replaces leucine 326 with proline.
Molecular consequence: missense variant.
Genome position (GRCh38, 1-based): chr16:2,317,661, A>G on the plus strand (T>C on the coding strand, the complement: ABCA3 is on the minus strand). VCF-style: chr16-2317661-A-G. GRCh37 (hg19) VCF-style: chr16-2367662-A-G.
Other names: short protein forms L326P.
Identifiers: ClinVar variation 8017 (VCV000008017.4), dbSNP rs121909185, ClinGen allele CA119218.